The following is an entry in ClinVar:

NM_003172.4(SURF1):c.280T>C (p.Leu94=)

Gene: SURF1 (SURF1 cytochrome c oxidase assembly factor; minus strand). Cytogenetic location: 9q34.2.
Variant type: single nucleotide variant.
Coding change: c.280T>C on transcript NM_003172.4 (MANE Select); coding-DNA position 280, T replaced by C.
Protein change: p.Leu94=; no amino-acid change (leucine 94 retained).
Molecular consequence: synonymous variant. On other transcripts: 5 prime UTR variant (1).
Genome position (GRCh38, 1-based): chr9:133,354,702, A>G on the plus strand (T>C on the coding strand, the complement: SURF1 is on the minus strand). VCF-style: chr9-133354702-A-G. GRCh37 (hg19) VCF-style: chr9-136221557-A-G.
Other names: p.L94L:TTG>CTG; c.-48T>C (NM_001280787.1).
Identifiers: ClinVar variation 139373 (VCV000139373.26), dbSNP rs28615629, ClinGen allele CA293824.

ClinVar aggregate classification (germline): Benign/Likely benign. Review status: criteria provided, multiple submitters, no conflicts (2 of 4 stars). 7 submissions from 7 submitters: Benign (3); Likely benign (1). 3 of the submissions do not count toward it. Last evaluated 2026-02-04.

Conditions:
Leigh syndrome (NULS). Also called: Leigh's syndrome; Leigh Disease; Subacute necrotizing encephalopathy; Necrotizing encephalopathy infantile subacute of Leigh; Leigh's necrotizing encephalopathy; Leigh's disease. Identifiers: Orphanet 506, MedGen C2931891, MONDO:0009723, OMIM 256000.

Allele frequency attached by ClinVar (database versions not stated): 1000 Genomes Project 0.03315; 1000 Genomes Project 30x 0.03529; gnomAD exomes 0.03692 and 0.03910; ExAC 0.03849; TOPMed 0.04502; ESP Exome Variant Server 0.04682; gnomAD 0.04735 and 0.04975.
gnomAD v4.1: 64,340 of 1,613,358 alleles (4%); highest among the groups gnomAD compares: African/African-American, 6.6%; 1,521 homozygotes.

Submissions (7):

Labcorp Genetics (formerly Invitae), Labcorp
Classification: Benign for Leigh syndrome. Last evaluated: 2026-02-04. Review status: criteria provided, single submitter. Criteria: Invitae Variant Classification Sherloc (09022015). Collection method: clinical testing. Allele origin: germline.

Women's Health and Genetics/Laboratory Corporation of America, LabCorp
Classification: Benign. Last evaluated: 2017-12-18. Review status: criteria provided, single submitter. Criteria: LabCorp Variant Classification Summary - May 2015. Collection method: clinical testing. Allele origin: germline.
Comment: Variant summary: The SURF1 c.280T>C (p.Leu94Leu) variant involves the alteration of a conserved nucleotide, resulting in a synonymous change. One in silico tool predicts a polymorphism outcome for this variant. 5/5 splice prediction tools predict no significant impact on normal splicing and ESE sites at the locus are not predicted to be affected. However, these predictions have yet to be confirmed by functional studies. This variant was found in 10613/277080 control chromosomes (258 homozygotes) at a frequency of 0.038303, which is approximately 22 times the estimated maximal expected allele frequency of a pathogenic SURF1 variant (0.0017678), strongly suggesting this variant is likely a benign polymorphism. In addition, multiple clinical diagnostic laboratories classified this variant as likely benign or benign. Taken together, this variant is classified as benign.

GeneDx
Classification: Benign. Last evaluated: 2011-07-06. Review status: criteria provided, single submitter. Criteria: GeneDx Variant Classification (06012015). Collection method: clinical testing. Allele origin: germline. Affected: yes.
Comment: This variant is considered likely benign or benign based on one or more of the following criteria: it is a conservative change, it occurs at a poorly conserved position in the protein, it is predicted to be benign by multiple in silico algorithms, and/or has population frequency not consistent with disease.

Breakthrough Genomics
Classification: Likely benign. Review status: criteria provided, single submitter. Criteria: ACMG Guidelines, 2015. Collection method: not provided. Allele origin: germline. Inheritance: Autosomal recessive inheritance. Affected: yes.

Mayo Clinic Laboratories, Mayo Clinic
Classification: Benign. Last evaluated: 2016-02-25. Review status: no assertion criteria provided. Collection method: clinical testing. Allele origin: unknown. Not counted in ClinVar's aggregate classification.

Clinical Genetics, Academic Medical Center
Classification: Benign. Review status: no assertion criteria provided. Collection method: clinical testing. Allele origin: germline. Affected: yes. Study: VKGL Data-share Consensus. Not counted in ClinVar's aggregate classification.

Joint Genome Diagnostic Labs from Nijmegen and Maastricht, Radboudumc and MUMC+
Classification: Benign. Review status: no assertion criteria provided. Collection method: clinical testing. Allele origin: germline. Affected: yes. Study: VKGL Data-share Consensus. Not counted in ClinVar's aggregate classification.

Literature cited by the submitters: PubMed 18583168 (cited by Women's Health and Genetics/Laboratory Corporation of America, LabCorp).